The following is an entry in ClinVar:

ClinVar aggregate classification (germline): Benign (1 of 4 stars; one submission).

Allele frequency attached by ClinVar (database versions not stated): 1000 Genomes Project 0.10463; gnomAD 0.10890 and 0.11464; 1000 Genomes Project 30x 0.11212; TOPMed 0.11268.
gnomAD v4.1: 16,409 of 152,246 alleles (11%); highest among the groups gnomAD compares: African/African-American, 30%; 1,996 homozygotes.

Submission:

GeneDx
Classification: Benign. Last evaluated: 2018-06-16. Review status: criteria provided, single submitter. Criteria: GeneDx Variant Classification (06012015). Collection method: clinical testing. Allele origin: germline. Affected: yes.
Comment: This variant is considered likely benign or benign based on one or more of the following criteria: it is a conservative change, it occurs at a poorly conserved position in the protein, it is predicted to be benign by multiple in silico algorithms, and/or has population frequency not consistent with disease.

NM_001005242.3(PKP2):c.1839+235T>C

Gene: PKP2 (plakophilin 2; minus strand). Cytogenetic location: 12p11.21.
Variant type: single nucleotide variant.
Coding change: c.1839+235T>C on transcript NM_001005242.3 (MANE Select); 235 bases into the intron after coding-DNA position 1839, T replaced by C.
Molecular consequence: intron variant.
Genome position (GRCh38, 1-based): chr12:32,822,232, A>G on the plus strand (T>C on the coding strand, the complement: PKP2 is on the minus strand). VCF-style: chr12-32822232-A-G. GRCh37 (hg19) VCF-style: chr12-32975166-A-G.
Other names: c.1971+235T>C (NM_004572.4).
Identifiers: ClinVar variation 671441 (VCV000671441.1), dbSNP rs59531342, ClinGen allele CA235238549.